The following is an entry in ClinVar:

ClinVar aggregate classification (germline): Uncertain significance (1 of 4 stars; one submission).

Conditions:
UDPglucose-4-epimerase deficiency. Also called: UDP-GALACTOSE-4-EPIMERASE DEFICIENCY; Galactose epimerase deficiency; GALACTOSEMIA III; GALE DEFICIENCY; UDPglucose 4-Epimerase Deficiency Disease; Epimerase Deficiency Galactosemia. Identifiers: Orphanet 352, Orphanet 79238, MedGen C0751161, MONDO:0009257, OMIM 230350.

Allele frequency attached by ClinVar (database versions not stated): gnomAD 0.00001; gnomAD exomes 0.00001; TOPMed 0.00001.
gnomAD v4.1: 13 of 1,613,964 alleles (0.00081%); highest among the groups gnomAD compares: Admixed American, 0.0017%; no homozygotes.

Submission:

Labcorp Genetics (formerly Invitae), Labcorp
Classification: Uncertain significance for UDPglucose-4-epimerase deficiency. Last evaluated: 2022-05-22. Review status: criteria provided, single submitter. Criteria: Invitae Variant Classification Sherloc (09022015). Collection method: clinical testing. Allele origin: germline.
Comment: This sequence change replaces serine, which is neutral and polar, with leucine, which is neutral and non-polar, at codon 97 of the GALE protein (p.Ser97Leu). This variant is present in population databases (no rsID available, gnomAD 0.004%). This variant has not been reported in the literature in individuals affected with GALE-related conditions. Algorithms developed to predict the effect of missense changes on protein structure and function are either unavailable or do not agree on the potential impact of this missense change (SIFT: "Deleterious"; PolyPhen-2: "Probably Damaging"; Align-GVGD: "Class C0"). In summary, the available evidence is currently insufficient to determine the role of this variant in disease. Therefore, it has been classified as a Variant of Uncertain Significance.

NM_001008216.2(GALE):c.290C>T (p.Ser97Leu)

Gene: GALE (UDP-galactose-4-epimerase; minus strand). Cytogenetic location: 1p36.11.
Variant type: single nucleotide variant.
Coding change: c.290C>T on transcript NM_001008216.2 (MANE Select); coding-DNA position 290, C replaced by T.
Protein change: p.Ser97Leu; replaces serine 97 with leucine.
Molecular consequence: missense variant.
Genome position (GRCh38, 1-based): chr1:23,798,178, G>A on the plus strand (C>T on the coding strand, the complement: GALE is on the minus strand). VCF-style: chr1-23798178-G-A. GRCh37 (hg19) VCF-style: chr1-24124668-G-A.
Other names: c.290C>T, p.Ser97Leu (NM_000403.4, NM_001127621.2); short protein forms S97L.
Identifiers: ClinVar variation 2162744 (VCV002162744.1), dbSNP rs1245959586, ClinGen allele CA339013856.